The following is an entry in ClinVar:

ClinVar aggregate classification (germline): Uncertain significance (1 of 4 stars; one submission).

gnomAD v4.1: 4 of 1,613,618 alleles (0.00025%); highest among the groups gnomAD compares: East Asian, 0.0045%; no homozygotes.

Submission:

Women's Health and Genetics/Laboratory Corporation of America, LabCorp
Classification: Uncertain significance. Last evaluated: 2025-10-10. Review status: criteria provided, single submitter. Criteria: LabCorp Variant Classification Summary - May 2015. Collection method: clinical testing. Allele origin: germline.
Comment: Variant summary: FGG c.527G>A (p.Gly176Glu) results in a non-conservative amino acid change in the encoded protein sequence. Algorithms developed to predict the effect of missense changes on protein structure and function all suggest that this variant is likely to be disruptive. The variant was absent in 251344 control chromosomes. The available data on variant occurrences in the general population are insufficient to allow any conclusion about variant significance. To our knowledge, no occurrence of c.527G>A in individuals affected with FGG-related conditions and no experimental evidence demonstrating its impact on protein function have been reported. No submitters have cited clinical-significance assessments for this variant to ClinVar. Based on the evidence outlined above, the variant was classified as uncertain significance.

NM_021870.3(FGG):c.527G>A (p.Gly176Glu)

Gene: FGG (fibrinogen gamma chain; minus strand). Cytogenetic location: 4q32.1.
Variant type: single nucleotide variant.
Coding change: c.527G>A on transcript NM_021870.3 (MANE Select); coding-DNA position 527, G replaced by A.
Protein change: p.Gly176Glu; replaces glycine 176 with glutamic acid.
Molecular consequence: missense variant.
Genome position (GRCh38, 1-based): chr4:154,610,072, C>T on the plus strand (G>A on the coding strand, the complement: FGG is on the minus strand). VCF-style: chr4-154610072-C-T. GRCh37 (hg19) VCF-style: chr4-155531224-C-T.
Other names: c.527G>A, p.Gly176Glu (NM_000509.6); short protein forms G176E.
Identifiers: ClinVar variation 4687370 (VCV004687370.1).